The following is an entry in ClinVar:

ClinVar aggregate classification (germline): Likely pathogenic (1 of 4 stars; one submission).

Conditions:
Developmental and epileptic encephalopathy, 11 (DEE11). Also called: Early infantile epileptic encephalopathy 11. Identifiers: Orphanet 1934, MedGen C3150987, MONDO:0013388, OMIM 613721.

Submission:

Laboratorio de Genetica e Diagnostico Molecular, Hospital Israelita Albert Einstein
Classification: Likely pathogenic for Developmental and epileptic encephalopathy, 11. Last evaluated: 2022-04-01. Review status: criteria provided, single submitter. Criteria: ACMG Guidelines, 2015. Collection method: clinical testing. Allele origin: germline. Affected: yes. Observed: 1 variant allele.
Comment: ACMG classification criteria: PVS1 very strong, PM2 moderated

NM_001040142.2(SCN2A):c.2287del (p.Leu763fs)

Gene: SCN2A (sodium voltage-gated channel alpha subunit 2; plus strand). Cytogenetic location: 2q24.3.
Variant type: Deletion.
Coding change: c.2287del on transcript NM_001040142.2 (MANE Select); coding-DNA position 2287, one base deleted (C; older notation c.2287delC).
Protein change: p.Leu763fs; shifts the reading frame from leucine 763.
Molecular consequence: frameshift variant.
Genome position (GRCh38, 1-based): chr2:165,331,467, C deleted; the last of 2 consecutive C bases (chr2:165,331,466-165,331,467); deleting either gives the same sequence. VCF-style (leftmost placement, unchanged base first): chr2-165331465-AC-A. GRCh37 (hg19) VCF-style: chr2-166187975-AC-A.
Other names: c.2287del, p.Leu763fs (NM_001040143.2, NM_001371246.1, NM_001371247.1 and 1 more transcripts); short protein forms L763fs.
Identifiers: ClinVar variation 2431869 (VCV002431869.1), dbSNP rs2467961957, ClinGen allele CA2580064209.